The following is an entry in ClinVar:

NM_005732.4(RAD50):c.1587C>G (p.Asn529Lys)

Gene: RAD50 (RAD50 double strand break repair protein; plus strand). Cytogenetic location: 5q31.1.
Variant type: single nucleotide variant.
Coding change: c.1587C>G on transcript NM_005732.4 (MANE Select); coding-DNA position 1587, C replaced by G.
Protein change: p.Asn529Lys; replaces asparagine 529 with lysine.
Molecular consequence: missense variant.
Genome position (GRCh38, 1-based): chr5:132,591,358, C>G. VCF-style: chr5-132591358-C-G. GRCh37 (hg19) VCF-style: chr5-131927050-C-G.
Other names: c.1587C>G (NM_005732.3); short protein forms N529K.
Identifiers: ClinVar variation 1997599 (VCV001997599.5), dbSNP rs1554098421, ClinGen allele CA360946031.

ClinVar aggregate classification (germline): Uncertain significance. Review status: criteria provided, multiple submitters, no conflicts (2 of 4 stars). 2 submissions from 2 submitters: Uncertain significance (2). Last evaluated 2025-09-16.

Conditions:
Hereditary cancer-predisposing syndrome. Also called: Neoplastic Syndromes, Hereditary; Hereditary neoplastic syndrome; Tumor predisposition; Hereditary Cancer Syndrome. Identifiers: Orphanet 140162, MedGen C0027672, MeSH D009386, MONDO:0015356.

Allele frequency attached by ClinVar (database versions not stated): gnomAD exomes below 0.00001.
gnomAD v4.1: 1 of 1,613,926 alleles (0.000062%); highest among the groups gnomAD compares: Non-Finnish European, 0.000085%; no homozygotes.

Submissions (2):

Ambry Genetics
Classification: Uncertain significance for Hereditary cancer-predisposing syndrome. Last evaluated: 2025-09-16. Review status: criteria provided, single submitter. Criteria: Ambry Variant Classification Scheme 2023. Collection method: clinical testing. Allele origin: germline.
Comment: The p.N529K variant (also known as c.1587C>G), located in coding exon 10 of the RAD50 gene, results from a C to G substitution at nucleotide position 1587. The asparagine at codon 529 is replaced by lysine, an amino acid with similar properties. This amino acid position is conserved. In addition, this alteration is predicted to be tolerated by in silico analysis. Based on the available evidence, the clinical significance of this variant remains unclear.

Labcorp Genetics (formerly Invitae), Labcorp
Classification: Uncertain significance for Hereditary cancer-predisposing syndrome. Last evaluated: 2022-05-21. Review status: criteria provided, single submitter. Criteria: Invitae Variant Classification Sherloc (09022015). Collection method: clinical testing. Allele origin: germline.
Comment: This sequence change replaces asparagine, which is neutral and polar, with lysine, which is basic and polar, at codon 529 of the RAD50 protein (p.Asn529Lys). This variant is not present in population databases (gnomAD no frequency). This variant has not been reported in the literature in individuals affected with RAD50-related conditions. Algorithms developed to predict the effect of missense changes on protein structure and function are either unavailable or do not agree on the potential impact of this missense change (SIFT: "Tolerated"; PolyPhen-2: "Possibly Damaging"; Align-GVGD: "Class C0"). In summary, the available evidence is currently insufficient to determine the role of this variant in disease. Therefore, it has been classified as a Variant of Uncertain Significance.